The following is an entry in ClinVar:

ClinVar aggregate classification (germline): Pathogenic (1 of 4 stars; one submission).

Submission:

GeneDx
Classification: Pathogenic. Last evaluated: 2015-11-06. Review status: criteria provided, single submitter. Criteria: GeneDx Variant Classification (06012015). Collection method: clinical testing. Allele origin: germline. Affected: yes.
Comment: The c.1039delG pathogenic variant in the PAX6 gene causes a frameshift starting with codon Valine347, changes this amino acid to a Serine residue and creates a premature Stop codon at position 18 ofthe new reading frame, denoted p.Val347SerfsX18. This pathogenic variant is predicted to cause lossof normal protein function either through protein truncation or nonsense-mediated mRNA decay. Thec.1039delG variant was not observed in approximately 6,500 individuals of European and AfricanAmerican ancestry in the NHLBI Exome Sequencing Project, indicating it is not a common benignvariant in these populations. Other frameshift variants both upsteam and downstream have beenreported in the Human Gene Mutation Database in association with PAX6-related disorders (Stenson etal., 2014), supporting frameshift variants as a mechanism of disease in PAX6. Although thisvariant has not been previously reported to our knowledge, we interpret it to be pathogenic.

NM_001368894.2(PAX6):c.1081del (p.Val361fs)

Gene: PAX6 (paired box 6; minus strand). Cytogenetic location: 11p13.
Variant type: Deletion.
Coding change: c.1081del on transcript NM_001368894.2 (MANE Select); coding-DNA position 1081, one base deleted (G; older notation c.1081delG).
Protein change: p.Val361fs; shifts the reading frame from valine 361.
Molecular consequence: frameshift variant. On other transcripts: non-coding transcript variant (1), intron variant (9).
Genome position (GRCh38, 1-based): chr11:31,790,854, C deleted on the plus strand (G on the coding strand, the reverse complement: PAX6 is on the minus strand). VCF-style (leftmost placement, unchanged base first): chr11-31790853-AC-A. GRCh37 (hg19) VCF-style: chr11-31812401-AC-A.
Other names: c.1039del, p.Val347fs (NM_000280.6, NM_001127612.3, NM_001258464.2 and 6 more transcripts); c.1081del, p.Val361fs (NM_001258462.3, NM_001258463.2, NM_001310158.2 and 3 more transcripts); c.631del, p.Val211fs (NM_001310160.2, NM_001310161.3, NM_001368899.2 and 10 more transcripts); c.1282del, p.Val428fs (NM_001368910.2); c.1156del, p.Val386fs (NM_001368918.2, NM_001368919.2); c.1114del, p.Val372fs (NM_001368920.2); c.880del, p.Val294fs (NM_001368922.2, NM_001368923.2, NM_001368924.2 and 3 more transcripts); c.838del, p.Val280fs (NM_001368928.2); and 6 more; short protein forms V146fs, V280fs, V294fs, V347fs, V372fs, V211fs, V361fs, V386fs.
Identifiers: ClinVar variation 429514 (VCV000429514.3), dbSNP rs1131691426, ClinGen allele CA645369503.
Genomic context (GRCh38, chr11:31,790,853, plus strand): 5'-CGCCCATTCACCGAAGGGCTGGTGGGCAGCATGCAGGAGTATGAGGAGGTCTGGCTGGGG[AC>A]TGGGGGCTGTGAGGAGAGAGGCAAACCTGTGGTTACTGAGGAACACATCACACAGCCACA-3'